The following is an entry in ClinVar:

NM_005120.3(MED12):c.6479A>G (p.Gln2160Arg)

Gene: MED12 (mediator complex subunit 12; plus strand). Cytogenetic location: Xq13.1.
Variant type: single nucleotide variant.
Coding change: c.6479A>G on transcript NM_005120.3 (MANE Select); coding-DNA position 6479, A replaced by G.
Protein change: p.Gln2160Arg; replaces glutamine 2160 with arginine.
Molecular consequence: missense variant.
Genome position (GRCh38, 1-based): chrX:71,141,953, A>G. VCF-style: chrX-71141953-A-G. GRCh37 (hg19) VCF-style: chrX-70361803-A-G.
Other names: short protein forms Q2160R.
Identifiers: ClinVar variation 1717459 (VCV001717459.6), dbSNP rs2519725122, ClinGen allele CA413544326.

ClinVar aggregate classification (germline): Uncertain significance (1 of 4 stars; one submission).

Conditions:
FG syndrome (FGS). Identifiers: MedGen C0220769, MONDO:0002010.

Allele frequency attached by ClinVar (database versions not stated): gnomAD exomes below 0.00001.
gnomAD v4.1: 3 of 1,211,251 alleles (0.00025%); highest among the groups gnomAD compares: Non-Finnish European, 0.00022%; no homozygotes.

Submission:

Labcorp Genetics (formerly Invitae), Labcorp
Classification: Uncertain significance for FG syndrome. Last evaluated: 2025-08-11. Review status: criteria provided, single submitter. Criteria: Invitae Variant Classification Sherloc (09022015). Collection method: clinical testing. Allele origin: germline.
Comment: This sequence change replaces glutamine, which is neutral and polar, with arginine, which is basic and polar, at codon 2160 of the MED12 protein (p.Gln2160Arg). This variant is not present in population databases (gnomAD no frequency). This variant has not been reported in the literature in individuals affected with MED12-related conditions. ClinVar contains an entry for this variant (Variation ID: 1717459). Invitae Evidence Modeling of protein sequence and biophysical properties (such as structural, functional, and spatial information, amino acid conservation, physicochemical variation, residue mobility, and thermodynamic stability) indicates that this missense variant is not expected to disrupt MED12 protein function with a negative predictive value of 95%. In summary, the available evidence is currently insufficient to determine the role of this variant in disease. Therefore, it has been classified as a Variant of Uncertain Significance.